The following is an entry in ClinVar:

ClinVar aggregate classification (germline): Uncertain significance (1 of 4 stars; one submission).

Allele frequency attached by ClinVar (database versions not stated): gnomAD 0.00003 and 0.00004; gnomAD exomes 0.00003; TOPMed 0.00003.
gnomAD v4.1: 49 of 1,613,834 alleles (0.003%); highest among the groups gnomAD compares: East Asian, 0.0045%; no homozygotes.

Submission:

Labcorp Genetics (formerly Invitae), Labcorp
Classification: Uncertain significance. Last evaluated: 2025-07-30. Review status: criteria provided, single submitter. Criteria: Invitae Variant Classification Sherloc (09022015). Collection method: clinical testing. Allele origin: germline.
Comment: This sequence change replaces lysine, which is basic and polar, with glutamine, which is neutral and polar, at codon 686 of the HYOU1 protein (p.Lys686Gln). This variant is present in population databases (rs782220789, gnomAD 0.02%). This variant has not been reported in the literature in individuals affected with HYOU1-related conditions. ClinVar contains an entry for this variant (Variation ID: 1370970). An algorithm developed to predict the effect of missense changes on protein structure and function (PolyPhen-2) suggests that this variant is likely to be disruptive. In summary, the available evidence is currently insufficient to determine the role of this variant in disease. Therefore, it has been classified as a Variant of Uncertain Significance.

NM_006389.5(HYOU1):c.2056A>C (p.Lys686Gln)

Gene: HYOU1 (hypoxia up-regulated 1; minus strand). Cytogenetic location: 11q23.3.
Variant type: single nucleotide variant.
Coding change: c.2056A>C on transcript NM_006389.5 (MANE Select); coding-DNA position 2056, A replaced by C.
Protein change: p.Lys686Gln; replaces lysine 686 with glutamine.
Molecular consequence: missense variant.
Genome position (GRCh38, 1-based): chr11:119,048,823, T>G on the plus strand (A>C on the coding strand, the complement: HYOU1 is on the minus strand). VCF-style: chr11-119048823-T-G. GRCh37 (hg19) VCF-style: chr11-118919535-T-G.
Other names: c.2056A>C, p.Lys686Gln (NM_001130991.3); short protein forms K686Q.
Identifiers: ClinVar variation 1370970 (VCV001370970.6), dbSNP rs782220789, ClinGen allele CA229619341.
Genomic context (GRCh38, chr11:119,048,823, plus strand): 5'-GAACAACCAGCTCCACCCCGATCTCCTCTACCATTCGCCGCTTCCTGGCGGGCTTCTGCT[T>G]CTTCTCTCCCTCTGGGGCTGGAGCGACGCCCTCAGGCCCTGCCTCTGCCTTCTCACTTGG-3'
Protein context (NP_006380.1, residues 676-696): GVAPAPEGEK[Lys686Gln]QKPARKRRMV